The following is an entry in ClinVar:

NM_000352.6(ABCC8):c.1630+1G>C

Gene: ABCC8 (ATP binding cassette subfamily C member 8; minus strand). Cytogenetic location: 11p15.1.
Variant type: single nucleotide variant.
Coding change: c.1630+1G>C on transcript NM_000352.6 (MANE Select); the canonical splice donor site of the intron after coding-DNA position 1630, G replaced by C.
Molecular consequence: splice donor variant.
Genome position (GRCh38, 1-based): chr11:17,442,719, C>G on the plus strand (G>C on the coding strand, the complement: ABCC8 is on the minus strand). VCF-style: chr11-17442719-C-G. GRCh37 (hg19) VCF-style: chr11-17464266-C-G.
Other names: c.1627+1G>C (NM_001351297.2, NM_001351296.2); c.1630+1G>C (NM_001351295.2, NM_001287174.3).
Identifiers: ClinVar variation 5004457 (VCV005004457.1).

ClinVar aggregate classification (germline): Pathogenic (1 of 4 stars; one submission).

Conditions:
Hyperinsulinemic hypoglycemia, familial, 1 (HHF1). Also called: Persistent hyperinsulinemic hypoglycemia of infancy; HYPERINSULINISM, FAMILIAL, WITH PANCREATIC NESIDIOBLASTOSIS; HYPOGLYCEMIA, HYPERINSULINEMIC, OF INFANCY; NESIDIOBLASTOSIS OF PANCREAS; Persistent Hyperinsulinemia Hypoglycemia of Infancy. Identifiers: Orphanet 276575, Orphanet 276598, MedGen C2931832, MONDO:0009734, OMIM 256450.

gnomAD v4.1: 1 of 1,613,484 alleles (0.000062%); highest among the groups gnomAD compares: East Asian, 0.0022%; no homozygotes.

Submission:

Myriad Genetics, Inc.
Classification: Pathogenic for Hyperinsulinemic hypoglycemia, familial, 1. Last evaluated: 2026-09-02. Review status: criteria provided, single submitter. Criteria: Myriad Autosomal Dominant, Autosomal Recessive and X-Linked Classification Criteria (2023). Collection method: clinical testing. Allele origin: unknown.
Comment: NM_000352.3(ABCC8):c.1630+1G>C is a variant in a canonical splice site classified as pathogenic in the context of familial hyperinsulinism, ABCC8-related. c.1630+1G>C has been observed in a case with relevant disease (PMID: 21422196). Relevant functional assessments of this variant are not available in the literature. c.1630+1G>C has not been observed in referenced population frequency databases. In summary, NM_000352.3(ABCC8):c.1630+1G>C is a variant in a canonical splice site in a gene where loss of function is a known mechanism of disease, is predicted to disrupt protein function, and has been observed more frequently in cases with the relevant disease than in healthy populations. Please note: this variant was assessed in the context of healthy population screening.

Literature cited by the submitters: PubMed 21422196.